The following is an entry in ClinVar:

ClinVar aggregate classification (germline): Uncertain significance. Review status: criteria provided, multiple submitters, no conflicts (2 of 4 stars). 5 submissions from 5 submitters: Uncertain significance (5). Last evaluated 2026-01-17.

Conditions:
Hereditary cancer-predisposing syndrome. Also called: Tumor predisposition; Neoplastic Syndromes, Hereditary; Hereditary Cancer Syndrome; Hereditary neoplastic syndrome. Identifiers: Orphanet 140162, MedGen C0027672, MeSH D009386, MONDO:0015356.
Juvenile polyposis syndrome (JPS). Identifiers: Orphanet 2929, MedGen C0345893, MONDO:0017380, OMIM 174900.
Polyposis syndrome, hereditary mixed, 2. Identifiers: Orphanet 157794, MedGen C1864730, MONDO:0012405, OMIM 610069.

Allele frequency attached by ClinVar (database versions not stated): gnomAD exomes below 0.00001; ExAC 0.00001.
gnomAD v4.1: 1 of 1,614,236 alleles (0.000062%); highest among the groups gnomAD compares: Admixed American, 0.0017%; no homozygotes.

Submissions (5):

Labcorp Genetics (formerly Invitae), Labcorp
Classification: Uncertain significance for Juvenile polyposis syndrome. Last evaluated: 2026-01-17. Review status: criteria provided, single submitter. Criteria: Invitae Variant Classification Sherloc (09022015). Collection method: clinical testing. Allele origin: germline.
Comment: This sequence change replaces aspartic acid, which is acidic and polar, with glycine, which is neutral and non-polar, at codon 490 of the BMPR1A protein (p.Asp490Gly). This variant is present in population databases (rs756222157, gnomAD 0.003%). This variant has not been reported in the literature in individuals affected with BMPR1A-related conditions. ClinVar contains an entry for this variant (Variation ID: 486823). Invitae Evidence Modeling of protein sequence and biophysical properties (such as structural, functional, and spatial information, amino acid conservation, physicochemical variation, residue mobility, and thermodynamic stability) indicates that this missense variant is expected to disrupt BMPR1A protein function with a positive predictive value of 80%. In summary, the available evidence is currently insufficient to determine the role of this variant in disease. Therefore, it has been classified as a Variant of Uncertain Significance.

Ambry Genetics
Classification: Uncertain significance for Hereditary cancer-predisposing syndrome. Last evaluated: 2025-05-28. Review status: criteria provided, single submitter. Criteria: Ambry Variant Classification Scheme 2023. Collection method: clinical testing. Allele origin: germline.
Comment: The p.D490G variant (also known as c.1469A>G), located in coding exon 10 of the BMPR1A gene, results from an A to G substitution at nucleotide position 1469. The aspartic acid at codon 490 is replaced by glycine, an amino acid with similar properties. This amino acid position is well conserved in available vertebrate species. In addition, this alteration is predicted to be deleterious by in silico analysis. Based on the available evidence, the clinical significance of this variant remains unclear.

Baylor Genetics
Classification: Uncertain significance for Polyposis syndrome, hereditary mixed, 2. Last evaluated: 2024-02-26. Review status: criteria provided, single submitter. Criteria: ACMG Guidelines, 2015. Collection method: clinical testing. Allele origin: unknown.

Color Diagnostics, LLC DBA Color Health
Classification: Uncertain significance for Hereditary cancer-predisposing syndrome. Last evaluated: 2023-12-04. Review status: criteria provided, single submitter. Criteria: ACMG Guidelines, 2015. Collection method: clinical testing. Allele origin: germline.
Comment: This missense variant replaces aspartic acid with glycine at codon 490 of the BMPR1A protein. Computational prediction suggests that this variant may have deleterious impact on protein structure and function (internally defined REVEL score threshold >= 0.7, PMID: 27666373). To our knowledge, functional studies have not been reported for this variant. This variant has not been reported in individuals affected with BMPR1A-related disorders in the literature. This variant has been identified in 1/251494 chromosomes in the general population by the Genome Aggregation Database (gnomAD). The available evidence is insufficient to determine the role of this variant in disease conclusively. Therefore, this variant is classified as a Variant of Uncertain Significance.

GeneDx
Classification: Uncertain significance. Last evaluated: 2020-01-13. Review status: criteria provided, single submitter. Criteria: GeneDx Variant Classification Process June 2021. Collection method: clinical testing. Allele origin: germline. Affected: yes.
Comment: Not observed at a significant frequency in large population cohorts (Lek 2016); In silico analysis, which includes protein predictors and evolutionary conservation, supports a deleterious effect; Has not been previously published as pathogenic or benign to our knowledge

NM_004329.3(BMPR1A):c.1469A>G (p.Asp490Gly)

Gene: BMPR1A (bone morphogenetic protein receptor type 1A; plus strand). Cytogenetic location: 10q23.2.
Variant type: single nucleotide variant.
Coding change: c.1469A>G on transcript NM_004329.3 (MANE Select); coding-DNA position 1469, A replaced by G.
Protein change: p.Asp490Gly; replaces aspartic acid 490 with glycine.
Molecular consequence: missense variant.
Genome position (GRCh38, 1-based): chr10:86,923,502, A>G. VCF-style: chr10-86923502-A-G. GRCh37 (hg19) VCF-style: chr10-88683259-A-G.
Other names: short protein forms D490G.
Identifiers: ClinVar variation 486823 (VCV000486823.19), dbSNP rs756222157, ClinGen allele CA5585724.